The following is an entry in ClinVar:

NM_000540.3(RYR1):c.6127+340T>C

Gene: RYR1 (ryanodine receptor 1; plus strand). Cytogenetic location: 19q13.2.
Variant type: single nucleotide variant.
Coding change: c.6127+340T>C on transcript NM_000540.3 (MANE Select); 340 bases into the intron after coding-DNA position 6127, T replaced by C.
Molecular consequence: intron variant.
Genome position (GRCh38, 1-based): chr19:38,491,072, T>C. VCF-style: chr19-38491072-T-C. GRCh37 (hg19) VCF-style: chr19-38981712-T-C.
Other names: c.6127+340T>C (NM_001042723.2).
Identifiers: ClinVar variation 681003 (VCV000681003.1), dbSNP rs115592936, ClinGen allele CA308097995.

ClinVar aggregate classification (germline): Benign (1 of 4 stars; one submission).

Allele frequency attached by ClinVar (database versions not stated): gnomAD 0.03251 and 0.03474; TOPMed 0.03777; 1000 Genomes Project 0.03974; 1000 Genomes Project 30x 0.04076.
gnomAD v4.1: 4,898 of 152,226 alleles (3.2%); highest among the groups gnomAD compares: African/African-American, 11%; 254 homozygotes.

Submission:

GeneDx
Classification: Benign. Last evaluated: 2018-06-19. Review status: criteria provided, single submitter. Criteria: GeneDx Variant Classification (06012015). Collection method: clinical testing. Allele origin: germline. Affected: yes.
Comment: This variant is considered likely benign or benign based on one or more of the following criteria: it is a conservative change, it occurs at a poorly conserved position in the protein, it is predicted to be benign by multiple in silico algorithms, and/or has population frequency not consistent with disease.